The following is an entry in ClinVar:

NM_001148.6(ANK2):c.2305G>A (p.Ala769Thr)

Gene: ANK2 (ankyrin 2; plus strand). Cytogenetic location: 4q26.
Variant type: single nucleotide variant.
Coding change: c.2305G>A on transcript NM_001148.6 (MANE Select); coding-DNA position 2305, G replaced by A.
Protein change: p.Ala769Thr; replaces alanine 769 with threonine.
Molecular consequence: missense variant.
Genome position (GRCh38, 1-based): chr4:113,292,443, G>A. VCF-style: chr4-113292443-G-A. GRCh37 (hg19) VCF-style: chr4-114213599-G-A.
Other names: c.2242G>A, p.Ala748Thr (NM_001354272.2, NM_001354275.2, NM_001386143.1 and 10 more transcripts); c.2107G>A, p.Ala703Thr (NM_001354273.2); c.2218G>A, p.Ala740Thr (NM_001354274.2, NM_001354276.2, NM_001386142.1 and 10 more transcripts); c.2020G>A, p.Ala674Thr (NM_001354277.2, NM_001386157.1); c.2350G>A, p.Ala784Thr (NM_001386144.1, NM_001354230.2, NM_001354231.2 and 5 more transcripts); c.1921G>A, p.Ala641Thr (NM_001386158.1); c.2263G>A, p.Ala755Thr (NM_001386160.1, NM_001354261.2, NM_001386147.1); c.2356G>A, p.Ala786Thr (NM_001386174.1); and 8 more; short protein forms A641T, A674T, A699T, A703T, A707T, A715T, A736T, A740T.
Identifiers: ClinVar variation 3616053 (VCV003616053.2).

ClinVar aggregate classification (germline): Uncertain significance (1 of 4 stars; one submission).

Conditions:
Long QT syndrome (LQTS). Identifiers: MedGen C0023976, MeSH D008133, MONDO:0002442. Disease mechanism: loss of function. Inheritance: Various modes of inheritance.

gnomAD v4.1: 2 of 1,611,060 alleles (0.00012%); highest among the groups gnomAD compares: Non-Finnish European, 0.00017%; no homozygotes.

Submission:

Labcorp Genetics (formerly Invitae), Labcorp
Classification: Uncertain significance for Long QT syndrome. Last evaluated: 2024-12-17. Review status: criteria provided, single submitter. Criteria: Invitae Variant Classification Sherloc (09022015). Collection method: clinical testing. Allele origin: germline.
Comment: This sequence change replaces alanine, which is neutral and non-polar, with threonine, which is neutral and polar, at codon 769 of the ANK2 protein (p.Ala769Thr). The frequency data for this variant in the population databases is considered unreliable, as metrics indicate poor data quality at this position in the gnomAD database. This variant has not been reported in the literature in individuals affected with ANK2-related conditions. Invitae Evidence Modeling of protein sequence and biophysical properties (such as structural, functional, and spatial information, amino acid conservation, physicochemical variation, residue mobility, and thermodynamic stability) has been performed for this missense variant. However, the output from this modeling did not meet the statistical confidence thresholds required to predict the impact of this variant on ANK2 protein function. In summary, the available evidence is currently insufficient to determine the role of this variant in disease. Therefore, it has been classified as a Variant of Uncertain Significance.